The following is an entry in ClinVar:

NM_000140.5(FECH):c.599-2A>G

Gene: FECH (ferrochelatase; minus strand). Cytogenetic location: 18q21.31.
Variant type: single nucleotide variant.
Coding change: c.599-2A>G on transcript NM_000140.5 (MANE Select); the canonical splice acceptor site of the intron before coding-DNA position 599, A replaced by G.
Molecular consequence: splice acceptor variant.
Genome position (GRCh38, 1-based): chr18:57,562,982, T>C on the plus strand (A>G on the coding strand, the complement: FECH is on the minus strand). VCF-style: chr18-57562982-T-C. GRCh37 (hg19) VCF-style: chr18-55230214-T-C.
Other names: c.599-2A>G (NM_001371094.1, NM_001374778.1, NM_000140.4); c.617-2A>G (NM_001012515.4); c.383-2A>G (NM_001371095.1).
Identifiers: ClinVar variation 1508284 (VCV001508284.10), dbSNP rs980047540, ClinGen allele CA300835743.

ClinVar aggregate classification (germline): Pathogenic. Review status: criteria provided, multiple submitters, no conflicts (2 of 4 stars). 3 submissions from 3 submitters: Pathogenic (3). Last evaluated 2025-10-22.

Conditions:
FECH-related disorders.

Allele frequency attached by ClinVar (database versions not stated): gnomAD exomes below 0.00001; gnomAD 0.00001; TOPMed 0.00001.
gnomAD v4.1: 7 of 1,612,200 alleles (0.00043%); highest among the groups gnomAD compares: Non-Finnish European, 0.00059%; no homozygotes.

Submissions (3):

Mayo Clinic Laboratories, Mayo Clinic
Classification: Pathogenic. Last evaluated: 2025-10-22. Review status: criteria provided, single submitter. Criteria: ACMG Guidelines, 2015. Collection method: clinical testing. Allele origin: germline. Observed: 1 variant allele.
Comment: PP4, PM2_supporting, PM3, PVS1

Labcorp Genetics (formerly Invitae), Labcorp
Classification: Pathogenic. Last evaluated: 2023-11-27. Review status: criteria provided, single submitter. Criteria: Invitae Variant Classification Sherloc (09022015). Collection method: clinical testing. Allele origin: germline.
Comment: This sequence change affects an acceptor splice site in intron 5 of the FECH gene. It is expected to disrupt RNA splicing. Variants that disrupt the donor or acceptor splice site typically lead to a loss of protein function (PMID: 16199547), and loss-of-function variants in FECH are known to be pathogenic (PMID: 20105171, 23016163, 23364466). This variant is present in population databases (no rsID available, gnomAD 0.007%). Disruption of this splice site has been observed in individual(s) with erythropoietic porphyria (PMID: 20105171; Invitae). In at least one individual the data is consistent with being in trans (on the opposite chromosome) from a pathogenic variant. ClinVar contains an entry for this variant (Variation ID: 1508284). Algorithms developed to predict the effect of sequence changes on RNA splicing suggest that this variant may disrupt the consensus splice site. For these reasons, this variant has been classified as Pathogenic.

Blueprint Genetics
Classification: Pathogenic for FECH-related disorders. Last evaluated: 2018-09-13. Review status: criteria provided, single submitter. Criteria: ACMG Guidelines, 2015. Collection method: clinical testing. Allele origin: germline. Affected: yes. Observed: 1 variant allele.

Literature cited by the submitters: PubMed 20105171 (cited by Mayo Clinic Laboratories, Mayo Clinic and Labcorp Genetics (formerly Invitae), Labcorp); PubMed 23364466 (cited by Mayo Clinic Laboratories, Mayo Clinic and Labcorp Genetics (formerly Invitae), Labcorp); PubMed 32873934 (cited by Mayo Clinic Laboratories, Mayo Clinic); PubMed 16199547 (cited by Labcorp Genetics (formerly Invitae), Labcorp); PubMed 23016163 (cited by Labcorp Genetics (formerly Invitae), Labcorp).